The following is an entry in ClinVar:

ClinVar aggregate classification (germline): Likely benign. Review status: criteria provided, multiple submitters, no conflicts (2 of 4 stars). 2 submissions from 2 submitters: Likely benign (2). Last evaluated 2025-08-20.

Conditions:
Birt-Hogg-Dube syndrome. Also called: Birt Hogg Dubé syndrome. Identifiers: Orphanet 122, MedGen C0346010, MONDO:0800444.
Birt-Hogg-Dube syndrome 1 (BHD1). Also called: FIBROFOLLICULOMAS WITH TRICHODISCOMAS AND ACROCHORDONS. Identifiers: Orphanet 122, MedGen CN375946, MONDO:0800445, OMIM 135150.

Submissions (2):

Labcorp Genetics (formerly Invitae), Labcorp
Classification: Likely benign for Birt-Hogg-Dube syndrome. Last evaluated: 2025-08-20. Review status: criteria provided, single submitter. Criteria: Invitae Variant Classification Sherloc (09022015). Collection method: clinical testing. Allele origin: germline.

Myriad Genetics, Inc.
Classification: Likely benign for Birt-Hogg-Dube syndrome 1. Last evaluated: 2024-10-25. Review status: criteria provided, single submitter. Criteria: Myriad Autosomal Dominant, Autosomal Recessive and X-Linked Classification Criteria (2023). Collection method: clinical testing. Allele origin: unknown.
Comment: This variant is considered likely benign. This variant is intronic and is not expected to impact mRNA splicing.

NM_144997.7(FLCN):c.1433-16C>T

Gene: FLCN (folliculin; minus strand). Cytogenetic location: 17p11.2.
Variant type: single nucleotide variant.
Coding change: c.1433-16C>T on transcript NM_144997.7 (MANE Select); 16 bases into the intron before coding-DNA position 1433, C replaced by T.
Molecular consequence: intron variant.
Genome position (GRCh38, 1-based): chr17:17,215,106, G>A on the plus strand (C>T on the coding strand, the complement: FLCN is on the minus strand). VCF-style: chr17-17215106-G-A. GRCh37 (hg19) VCF-style: chr17-17118420-G-A.
Other names: c.1433-16C>T (NM_001353231.2, NM_001353230.2); c.1487-16C>T (NM_001353229.2).
Identifiers: ClinVar variation 3773050 (VCV003773050.2).
Genomic context (GRCh38, chr17:17,215,106, plus strand): 5'-GGTTGGTCAGAGCCGCTTCAATCTTATTCAGGATGGTGGGGCCCACTGGGGAGAAGGGCA[G>A]GGGCAGAGCAAGGGCAGGCGTTAGCGCGGGGCGGGGGCATCTTCTCACAAAAAGGACACT-3'